The following is an entry in ClinVar:

ClinVar aggregate classification (germline): Pathogenic/Likely pathogenic. Review status: criteria provided, multiple submitters, no conflicts (2 of 4 stars). 29 submissions from 28 submitters: Pathogenic (21); Likely pathogenic (3). 5 of the submissions do not count toward it. Last evaluated 2026-03-01.

Conditions:
SGSH-related disorder. Also called: SGSH-related condition.
Mucopolysaccharidosis. Also called: Mucopolysaccharidoses. Identifiers: Orphanet 79213, MedGen C0026703, MeSH D009083, MONDO:0019249.
Mucopolysaccharidosis, MPS-III-A (MPS3A). Also called: HEPARAN SULFATE SULFATASE DEFICIENCY; MPS III A; mucopolysaccharidosis type 3A; Mucopolysaccharidosis type IIIA (Sanfilippo A); MUCOPOLYSACCHARIDOSIS, TYPE IIIA, ATTENUATED; MPS IIIA (Sanfilippo Syndrome Type A). Identifiers: Orphanet 581, Orphanet 79269, MedGen C0086647, MONDO:0009655, OMIM 252900.
Abnormal circulating carbohydrate concentration. Identifiers: MedGen C5139058, HP:0011013.

Allele frequency attached by ClinVar (database versions not stated): TOPMed 0.00010; gnomAD exomes 0.00015 and 0.00022; gnomAD 0.00021; ExAC 0.00023.
gnomAD v4.1: 340 of 1,591,362 alleles (0.021%); highest among the groups gnomAD compares: Non-Finnish European, 0.027%; no homozygotes.

Submissions 1 to 12 of 29:

CeGaT Center for Human Genetics Tuebingen
Classification: Pathogenic. Last evaluated: 2026-03-01. Review status: criteria provided, single submitter. Criteria: CeGaT Center For Human Genetics Tuebingen Variant Classification Criteria Version 2. Collection method: clinical testing. Allele origin: germline. Affected: yes. Observed: 11 variant alleles.
Comment: SGSH: PM3:Very Strong, PM2, PM5, PP3, PP4, PS3:Supporting

Labcorp Genetics (formerly Invitae), Labcorp
Classification: Pathogenic for Mucopolysaccharidosis, MPS-III-A. Last evaluated: 2026-01-17. Review status: criteria provided, single submitter. Criteria: Invitae Variant Classification Sherloc (09022015). Collection method: clinical testing. Allele origin: germline.
Comment: This sequence change replaces arginine, which is basic and polar, with cysteine, which is neutral and slightly polar, at codon 74 of the SGSH protein (p.Arg74Cys). This variant is present in population databases (rs104894636, gnomAD 0.04%). This missense change has been observed in individuals with MPS type IIIA (PMID: 9285796, 9401012, 22976768, 28844463). ClinVar contains an entry for this variant (Variation ID: 5108). Invitae Evidence Modeling of protein sequence and biophysical properties (such as structural, functional, and spatial information, amino acid conservation, physicochemical variation, residue mobility, and thermodynamic stability) indicates that this missense variant is expected to disrupt SGSH protein function with a positive predictive value of 95%. Experimental studies have shown that this missense change affects SGSH function (PMID: 10601282, 15146460). This variant disrupts the p.Arg74 amino acid residue in SGSH. Other variant(s) that disrupt this residue have been observed in individuals with SGSH-related conditions (PMID: 9401012, 15542396), which suggests that this may be a clinically significant amino acid residue. For these reasons, this variant has been classified as Pathogenic.

3billion
Classification: Pathogenic for Mucopolysaccharidosis, MPS-III-A. Last evaluated: 2025-11-17. Review status: criteria provided, single submitter. Criteria: ACMG Guidelines, 2015. Collection method: clinical testing. Allele origin: germline. Affected: yes.
Comment: The variant is observed at an extremely low frequency in the gnomAD v4.1.0 dataset (total allele frequency: 0.021%). Predicted Consequence/Location: Missense variant In silico tool predictions suggest damaging effect of the variant on gene or gene product [REVEL: 0.95 (>=0.6, sensitivity 0.68 and specificity 0.92); 3Cnet: 0.95 (> 0.75, sensitivity 0.96 and precision 0.92)]. The same nucleotide change resulting in the same amino acid change has been previously reported as pathogenic/likely pathogenic with strong evidence (ClinVar ID: VCV000005108 /PMID: 9285796). The variant has been reported to be in trans with a pathogenic variant as either compound heterozygous or homozygous in at least one similarly affected unrelated individual (PMID: 11182930). Different missense changes at the same codon (p.Arg74His, p.Arg74Leu, p.Arg74Ser) have been reported as pathogenic/likely pathogenic with strong evidence (ClinVar ID: VCV000550504, VCV002446367, VCV002572061 /PMID: 9401012). Therefore, this variant is classified as Pathogenic according to the recommendation of ACMG/AMP guideline.

Women's Health and Genetics/Laboratory Corporation of America, LabCorp
Classification: Pathogenic for Mucopolysaccharidosis, MPS-III-A. Last evaluated: 2025-07-28. Review status: criteria provided, single submitter. Criteria: LabCorp Variant Classification Summary - May 2015. Collection method: clinical testing. Allele origin: germline.
Comment: Variant summary: SGSH c.220C>T (p.Arg74Cys) results in a non-conservative amino acid change in the encoded protein sequence. Algorithms developed to predict the effect of missense changes on protein structure and function all suggest that this variant is likely to be disruptive. The variant allele was found at a frequency of 0.00015 in 212940 control chromosomes. This frequency is not significantly higher than estimated for a pathogenic variant in SGSH causing Mucopolysaccharidosis, MPS-III-A, allowing no conclusion about variant significance. c.220C>T has been observed in multiple individuals affected with Mucopolysaccharidosis, MPS-III-A (example: Chistiakov_2014). These data indicate that the variant is very likely to be associated with disease. A different variant affecting the same codon has been classified as pathogenic by our lab (c.221G>A,p.Arg74His), supporting the critical relevance of codon 74 to SGSH protein function.The following publication has been ascertained in the context of this evaluation (PMID: 24875751). ClinVar contains an entry for this variant (Variation ID: 5108). Based on the evidence outlined above, the variant was classified as pathogenic.

Natera, Inc.
Classification: Pathogenic for Mucopolysaccharidosis type IIIA. Last evaluated: 2025-07-25. Review status: criteria provided, single submitter. Criteria: Natera Variant Classification Schema (03/2026). Collection method: clinical testing. Allele origin: germline.
Comment: The c.220C>T variant in SGSH is a missense variant predicted to cause substitution of arginine to cysteine at amino acid 74. This variant is rare in the general population with a frequency below the threshold expected for the associated phenotype(s). This variant has been observed in one or more individuals affected with the associated recessive disease, as either homozygous or compound heterozygous with a second variant (PMID: 24875751). Computational prediction algorithms indicate this variant is likely to affect gene or protein function. Given the available evidence, this variant is classified as Pathogenic.

PreventionGenetics, part of Exact Sciences
Classification: Pathogenic for SGSH-related condition. Last evaluated: 2025-05-05. Review status: criteria provided, single submitter. Criteria: ACMG Guidelines, 2015. Collection method: clinical testing. Allele origin: germline.
Comment: The SGSH c.220C>T variant is predicted to result in the amino acid substitution p.Arg74Cys. This variant was reported in multiple individuals with Mucopolysaccharidosis type IIIA (for example Weber et al. 1997. PubMed ID: 9285796; Bunge et al. 1997. PubMed ID: 9401012; Perkins et al. 1999. PubMed ID: 10601282; Beesley et al. 2000. PubMed ID: 11182930; Pollard et al. 2012. PubMed ID: 22976768; Zanetti et al. 2019. PubMed ID: 30809705). This variant is reported in 0.034% of alleles in individuals of European (Non-Finnish) descent in gnomAD. This variant is interpreted as pathogenic.

Dasa
Classification: Pathogenic for mucopolysaccharidosis type 3A. Last evaluated: 2025-02-26. Review status: criteria provided, single submitter. Criteria: DASA Assertion Criteria. Collection method: clinical testing. Allele origin: germline.
Comment: NM_000199.5(SGSH):c.220C>T (p.Arg74Cys) is a missense variant that results in the substitution of arginine with cysteine. The affected residue or protein region has prior evidence supporting clinical relevance. This variant has been recurrently observed in individuals with SGSH-related disorders (PMID: 9285796; PMID: 9401012; PMID: 22976768; PMID: 28844463). Functional evidence supports an impact on the gene or gene product. Also, this variant is rare in population databases. Computational evidence supports a deleterious effect. Based on the currently available evidence, this variant is classified as pathogenic.

Laboratory of Genetics, Children's Clinical University Hospital Latvia
Classification: Pathogenic. Last evaluated: 2025-02-16. Review status: criteria provided, single submitter. Criteria: ACMG Guidelines, 2015. Collection method: clinical testing. Allele origin: germline. Affected: yes.

Blueprint Genetics
Classification: Pathogenic for SGSH-related disorders. Last evaluated: 2024-09-03. Review status: criteria provided, single submitter. Criteria: ACMG Guidelines, 2015. Collection method: clinical testing. Allele origin: germline. Affected: yes. Observed: 5 variant alleles.

Fulgent Genetics
Classification: Pathogenic for Mucopolysaccharidosis, MPS-III-A. Last evaluated: 2024-05-25. Review status: criteria provided, single submitter. Criteria: ACMG Guidelines, 2015. Collection method: clinical testing. Allele origin: germline.

Department of Human Genetics, Hannover Medical School
Classification: Likely pathogenic for Mucopolysaccharidosis, MPS-III-A. Last evaluated: 2023-01-06. Review status: criteria provided, single submitter. Criteria: ACMG Guidelines, 2015. Collection method: clinical testing. Allele origin: germline. Inheritance: Autosomal recessive inheritance. Affected: yes.

GeneDx
Classification: Pathogenic. Last evaluated: 2022-03-07. Review status: criteria provided, single submitter. Criteria: GeneDx Variant Classification Process June 2021. Collection method: clinical testing. Allele origin: germline. Affected: yes.
Comment: Published functional studies demonstrate very low sulfamidase production compared to wild-type (Perkins et al., 1999).; In silico analysis supports that this missense variant has a deleterious effect on protein structure/function; This variant is associated with the following publications: (PMID: 18407553, 24816101, 11668611, 21061399, 31236806, 28963436, 30809705, 30548430, 10601282, 18392742, 15146460, 11793481, 22976768, 26787381, 21671382, 29023963, 28844463, 9285796, 31718697, 31980526, 32036093, 34349725, 34426522, 31589614, 33726816)

NM_000199.5(SGSH):c.220C>T (p.Arg74Cys)

Gene: SGSH (N-sulfoglucosamine sulfohydrolase; minus strand). Cytogenetic location: 17q25.3.
Variant type: single nucleotide variant.
Coding change: c.220C>T on transcript NM_000199.5 (MANE Select); coding-DNA position 220, C replaced by T.
Protein change: p.Arg74Cys; replaces arginine 74 with cysteine.
Molecular consequence: missense variant. On other transcripts: non-coding transcript variant (1).
Genome position (GRCh38, 1-based): chr17:80,217,061, G>A on the plus strand (C>T on the coding strand, the complement: SGSH is on the minus strand). VCF-style: chr17-80217061-G-A. GRCh37 (hg19) VCF-style: chr17-78190860-G-A.
Other names: c.220C>T, p.Arg74Cys (NM_001352921.3, NM_001352922.2); short protein forms R74C.
Identifiers: ClinVar variation 5108 (VCV000005108.91), dbSNP rs104894636, ClinGen allele CA117258.